The following is an entry in ClinVar:

ClinVar aggregate classification (germline): Uncertain significance (1 of 4 stars; one submission).

Allele frequency attached by ClinVar (database versions not stated): ExAC 0.00007; ESP Exome Variant Server 0.00015.
gnomAD v4.1: 68 of 1,601,746 alleles (0.0042%); highest among the groups gnomAD compares: African/African-American, 0.016%; no homozygotes.

Submissions (2):

Labcorp Genetics (formerly Invitae), Labcorp
Classification: Uncertain significance. Last evaluated: 2025-07-20. Review status: criteria provided, single submitter. Criteria: Invitae Variant Classification Sherloc (09022015). Collection method: clinical testing. Allele origin: germline.
Comment: This sequence change replaces asparagine, which is neutral and polar, with serine, which is neutral and polar, at codon 384 of the NDUFS1 protein (p.Asn384Ser). This variant is present in population databases (rs147185691, gnomAD 0.02%). This variant has not been reported in the literature in individuals affected with NDUFS1-related conditions. ClinVar contains an entry for this variant (Variation ID: 1478575). Invitae Evidence Modeling of protein sequence and biophysical properties (such as structural, functional, and spatial information, amino acid conservation, physicochemical variation, residue mobility, and thermodynamic stability) indicates that this missense variant is not expected to disrupt NDUFS1 protein function with a negative predictive value of 95%. In summary, the available evidence is currently insufficient to determine the role of this variant in disease. Therefore, it has been classified as a Variant of Uncertain Significance.

Dr. Peter K. Rogan Lab, Western University
No classification provided (evidence only). Condition: Melanoma. Review status: no classification provided. Collection method: in vitro. Allele origin: not applicable. Functional consequence: retained intron. Not counted in ClinVar's aggregate classification.

NM_005006.7(NDUFS1):c.1151A>G (p.Asn384Ser)

Gene: NDUFS1 (NADH:ubiquinone oxidoreductase core subunit S1; minus strand). Cytogenetic location: 2q33.3.
Variant type: single nucleotide variant.
Coding change: c.1151A>G on transcript NM_005006.7 (MANE Select); coding-DNA position 1151, A replaced by G.
Protein change: p.Asn384Ser; replaces asparagine 384 with serine.
Molecular consequence: missense variant.
Genome position (GRCh38, 1-based): chr2:206,142,052, T>C on the plus strand (A>G on the coding strand, the complement: NDUFS1 is on the minus strand). VCF-style: chr2-206142052-T-C. GRCh37 (hg19) VCF-style: chr2-207006776-T-C.
Other names: c.1043A>G, p.Asn348Ser (NM_001199981.2); c.818A>G, p.Asn273Ser (NM_001199982.2); c.980A>G, p.Asn327Ser (NM_001199983.2); c.1193A>G, p.Asn398Ser (NM_001199984.2); short protein forms N273S, N327S, N398S, N348S, N384S.
Identifiers: ClinVar variation 1478575 (VCV001478575.6), dbSNP rs147185691, ClinGen allele CA2070535.